The following is an entry in ClinVar:

NM_000257.4(MYH7):c.2945T>A (p.Met982Lys)

Gene: MYH7 (myosin heavy chain 7; minus strand). Cytogenetic location: 14q11.2.
Variant type: single nucleotide variant.
Coding change: c.2945T>A on transcript NM_000257.4 (MANE Select); coding-DNA position 2945, T replaced by A.
Protein change: p.Met982Lys; replaces methionine 982 with lysine.
Molecular consequence: missense variant.
Genome position (GRCh38, 1-based): chr14:23,423,701, A>T on the plus strand (T>A on the coding strand, the complement: MYH7 is on the minus strand). VCF-style: chr14-23423701-A-T. GRCh37 (hg19) VCF-style: chr14-23892910-A-T.
Other names: c.2945T>A, p.Met982Lys (NM_001407004.1); short protein forms M982K.
Identifiers: ClinVar variation 2744932 (VCV002744932.3), dbSNP rs145532615, ClinGen allele CA389046463.

ClinVar aggregate classification (germline): Uncertain significance (1 of 4 stars; one submission).

Conditions:
Hypertrophic cardiomyopathy. Also called: HYPERTROPHIC MYOCARDIOPATHY. Identifiers: Orphanet 217569, MedGen C0007194, MeSH D002312, MONDO:0005045, HP:0001639.

Submission:

Labcorp Genetics (formerly Invitae), Labcorp
Classification: Uncertain significance for Hypertrophic cardiomyopathy. Last evaluated: 2024-11-26. Review status: criteria provided, single submitter. Criteria: Invitae Variant Classification Sherloc (09022015). Collection method: clinical testing. Allele origin: germline.
Comment: This sequence change replaces methionine, which is neutral and non-polar, with lysine, which is basic and polar, at codon 982 of the MYH7 protein (p.Met982Lys). This variant is not present in population databases (gnomAD no frequency). This variant has not been reported in the literature in individuals affected with MYH7-related conditions. ClinVar contains an entry for this variant (Variation ID: 2744932). Invitae Evidence Modeling of protein sequence and biophysical properties (such as structural, functional, and spatial information, amino acid conservation, physicochemical variation, residue mobility, and thermodynamic stability) indicates that this missense variant is expected to disrupt MYH7 protein function with a positive predictive value of 95%. In summary, the available evidence is currently insufficient to determine the role of this variant in disease. Therefore, it has been classified as a Variant of Uncertain Significance.